The following is an entry in ClinVar:

NM_144670.6(A2ML1):c.2269C>T (p.Pro757Ser)

Gene: A2ML1 (alpha-2-macroglobulin like 1; plus strand). Cytogenetic location: 12p13.31.
Variant type: single nucleotide variant.
Coding change: c.2269C>T on transcript NM_144670.6 (MANE Select); coding-DNA position 2269, C replaced by T.
Protein change: p.Pro757Ser; replaces proline 757 with serine.
Molecular consequence: missense variant.
Genome position (GRCh38, 1-based): chr12:8,851,818, C>T. VCF-style: chr12-8851818-C-T. GRCh37 (hg19) VCF-style: chr12-9004414-C-T.
Other names: c.796C>T, p.Pro266Ser (NM_001282424.3); short protein forms P757S, P266S.
Identifiers: ClinVar variation 2624519 (VCV002624519.4), dbSNP rs2539256386, ClinGen allele CA383833133.
Genomic context (GRCh38, chr12:8,851,818, plus strand): 5'-TCATGTTGGTCCTTGTGTTTTCACAGTAACTCGGGGAAGGAGGCGGTCCACGTCACAGTT[C>T]CTGACGCCATCACCGAGTGGAAGGCGATGAGTTTCTGCACTTCCCAGTCAAGAGGCTTCG-3'
Protein context (NP_653271.3, residues 747-767): SGKEAVHVTV[Pro757Ser]DAITEWKAMS

ClinVar aggregate classification (germline): Uncertain significance. Review status: criteria provided, multiple submitters, no conflicts (2 of 4 stars). 2 submissions from 2 submitters: Uncertain significance (2). Last evaluated 2025-01-23.

Allele frequency attached by ClinVar (database versions not stated): gnomAD exomes below 0.00001.
gnomAD v4.1: 1 of 1,614,184 alleles (0.000062%); highest among the groups gnomAD compares: Non-Finnish European, 0.000085%; no homozygotes.

Submissions (2):

Labcorp Genetics (formerly Invitae), Labcorp
Classification: Uncertain significance. Last evaluated: 2025-01-23. Review status: criteria provided, single submitter. Criteria: Invitae Variant Classification Sherloc (09022015). Collection method: clinical testing. Allele origin: germline.
Comment: This sequence change replaces proline, which is neutral and non-polar, with serine, which is neutral and polar, at codon 757 of the A2ML1 protein (p.Pro757Ser). This variant is not present in population databases (gnomAD no frequency). This variant has not been reported in the literature in individuals affected with A2ML1-related conditions. ClinVar contains an entry for this variant (Variation ID: 2624519). An algorithm developed to predict the effect of missense changes on protein structure and function (PolyPhen-2) suggests that this variant is likely to be disruptive. In summary, the available evidence is currently insufficient to determine the role of this variant in disease. Therefore, it has been classified as a Variant of Uncertain Significance.

Ambry Genetics
Classification: Uncertain significance. Last evaluated: 2023-08-13. Review status: criteria provided, single submitter. Criteria: Ambry Variant Classification Scheme 2023. Collection method: clinical testing. Allele origin: germline.
Comment: The p.P757S variant (also known as c.2269C>T), located in coding exon 19 of the A2ML1 gene, results from a C to T substitution at nucleotide position 2269. The proline at codon 757 is replaced by serine, an amino acid with similar properties. This amino acid position is conserved. In addition, this alteration is predicted to be deleterious by in silico analysis. Since supporting evidence is limited at this time, the clinical significance of this alteration remains unclear.